The following is an entry in ClinVar:

NM_020631.6(PLEKHG5):c.2145GGA[7] (p.Glu723del)

Gene: PLEKHG5 (pleckstrin homology and RhoGEF domain containing G5; minus strand). Cytogenetic location: 1p36.31.
Variant type: Microsatellite.
Coding change: c.2145GGA[7] on transcript NM_020631.6 (MANE Select); seven copies in a row of the 3-base unit GGA starting at c.2145; the reference has eight copies in a row; one copy, 3 bases deleted; also written c.2166_2168del.
Protein change: p.Glu723del; deletes glutamic acid 723.
Molecular consequence: inframe deletion. On other transcripts: inframe indel (4).
Genome position (GRCh38, 1-based): chr1:6,469,123-6,469,125, TCC deleted on the plus strand (GGA on the coding strand, the reverse complement: PLEKHG5 is on the minus strand); deleting any 3 consecutive bases within chr1:6,469,123-6,469,148 gives the same sequence; the position shown is the placement nearest the transcript's 3' end. VCF-style (leftmost placement, unchanged base first): chr1-6469122-TTCC-T. GRCh37 (hg19) VCF-style: chr1-6529182-TTCC-T.
Other names: p.Glu723del; c.2166_2168del (NM_020631.5); c.2256GGA[7], p.Glu760del (NM_001042663.3, NM_001265592.2); c.2143_2145GAG[7], p.Glu723del (NM_001042664.2, NM_001042665.2, NM_001265594.3); c.2350_2352GAG[7], p.Glu792del (NM_001265593.2); c.2145GGA[7], p.Glu723del (NM_198681.4); c.2166_2168delGGA (NM_020631.4, NM_020631.6); short protein forms E723del, E792del, E760del.
Identifiers: ClinVar variation 194979 (VCV000194979.23), dbSNP rs113541584, ClinGen allele CA201473.
Genomic context (GRCh38, chr1:6,469,122, plus strand): 5'-GCCGCTGCTTTTCCGCATGATGGTAGGGGAGCTGGCAGCTGAAGTGCCACTGTCCTCGCC[TTCC>T]TCCTCCTCCTCCTCCTCCTCCTCTTCCTCCTCCTGCTCATCCTCCTCCTCTTCCAGGCTC-3'

ClinVar aggregate classification (germline): Benign/Likely benign. Review status: criteria provided, multiple submitters, no conflicts (2 of 4 stars). 8 submissions from 8 submitters: Benign (5); Likely benign (1). 2 of the submissions do not count toward it. Last evaluated 2026-02-04.

Conditions:
Neuronopathy, distal hereditary motor, autosomal recessive 4. Also called: Autosomal recessive lower motor neuron disease with childhood onset; NEUROPATHY, DISTAL HEREDITARY MOTOR, AUTOSOMAL RECESSIVE 4. Identifiers: Orphanet 206580, MedGen C1970211, MONDO:0012608, OMIM 611067.
Charcot-Marie-Tooth disease recessive intermediate C. Also called: CHARCOT-MARIE-TOOTH NEUROPATHY, RECESSIVE INTERMEDIATE C. Identifiers: Orphanet 369867, MedGen C3809309, MONDO:0014154, OMIM 615376.

Submissions (8):

Labcorp Genetics (formerly Invitae), Labcorp
Classification: Benign for Neuronopathy, distal hereditary motor, autosomal recessive 4; Charcot-Marie-Tooth disease recessive intermediate C. Last evaluated: 2026-02-04. Review status: criteria provided, single submitter. Criteria: Invitae Variant Classification Sherloc (09022015). Collection method: clinical testing. Allele origin: germline.

Blueprint Genetics
Classification: Likely benign. Last evaluated: 2024-11-26. Review status: criteria provided, single submitter. Criteria: ACMG Guidelines, 2015. Collection method: clinical testing. Allele origin: germline.

Women's Health and Genetics/Laboratory Corporation of America, LabCorp
Classification: Benign. Last evaluated: 2024-01-11. Review status: criteria provided, single submitter. Criteria: LabCorp Variant Classification Summary - May 2015. Collection method: clinical testing. Allele origin: germline.
Comment: Variant summary: PLEKHG5 c.2166_2168delGGA (p.Glu723del) results in an in-frame deletion that is predicted to remove one amino acid from the encoded protein. The variant allele was found at a frequency of 0.076 in 196576 control chromosomes in the gnomAD database, including 383 homozygotes. The observed variant frequency is approximately 67.99 fold of the estimated maximal expected allele frequency for a pathogenic variant in PLEKHG5 causing Distal Spinal Muscular Atrophy, Autosomal Recessive 4 phenotype (0.0011), strongly suggesting that the variant is benign. ClinVar contains an entry for this variant (Variation ID: 194979). Based on the evidence outlined above, the variant was classified as benign.

GeneDx
Classification: Benign. Last evaluated: 2018-06-08. Review status: criteria provided, single submitter. Criteria: GeneDx Variant Classification Process June 2021. Collection method: clinical testing. Allele origin: germline. Affected: yes.

Mayo Clinic Laboratories, Mayo Clinic
Classification: Benign. Last evaluated: 2016-04-08. Review status: criteria provided, single submitter. Criteria: ACMG Guidelines, 2015. Collection method: clinical testing. Allele origin: germline. Observed: 279 variant alleles.

Eurofins Ntd Llc (ga)
Classification: Benign. Last evaluated: 2015-11-23. Review status: criteria provided, single submitter. Criteria: EGL Classification Definitions 2015. Collection method: clinical testing. Allele origin: germline. Observed: 27 variant alleles, 24 heterozygotes, 3 homozygotes.

Clinical Genetics, Academic Medical Center
Classification: Benign. Review status: no assertion criteria provided. Collection method: clinical testing. Allele origin: germline. Affected: yes. Study: VKGL Data-share Consensus. Not counted in ClinVar's aggregate classification.

Genome Diagnostics Laboratory, University Medical Center Utrecht
Classification: Benign. Review status: no assertion criteria provided. Collection method: clinical testing. Allele origin: germline. Affected: yes. Study: VKGL Data-share Consensus. Not counted in ClinVar's aggregate classification.